The following is an entry in ClinVar:

NM_001453.3(FOXC1):c.1466C>T (p.Ala489Val)

Gene: FOXC1 (forkhead box C1; plus strand). Cytogenetic location: 6p25.3.
Variant type: single nucleotide variant.
Coding change: c.1466C>T on transcript NM_001453.3 (MANE Select); coding-DNA position 1466, C replaced by T.
Protein change: p.Ala489Val; replaces alanine 489 with valine.
Molecular consequence: missense variant.
Genome position (GRCh38, 1-based): chr6:1,611,911, C>T. VCF-style: chr6-1611911-C-T. GRCh37 (hg19) VCF-style: chr6-1612146-C-T.
Other names: c.1466C>T (NM_001453.2); short protein forms A489V.
Identifiers: ClinVar variation 3593387 (VCV003593387.2).

ClinVar aggregate classification (germline): Uncertain significance. Review status: criteria provided, multiple submitters, no conflicts (2 of 4 stars). 2 submissions from 2 submitters: Uncertain significance (2). Last evaluated 2025-04-21.

Conditions:
Axenfeld-Rieger syndrome type 3 (RIEG3). Also called: AXENFELD-RIEGER ANOMALY WITH CARDIAC DEFECTS AND/OR SENSORINEURAL HEARING LOSS. Identifiers: Orphanet 782, MedGen C2678503, MONDO:0011233, OMIM 602482.
Anterior segment dysgenesis 3 (ASGD3). Also called: Glaucoma iridogoniodysplasia, familial; IRIDOGONIODYSGENESIS ANOMALY, AUTOSOMAL DOMINANT. Identifiers: Orphanet 91483, MedGen C5975707, MONDO:0024456, OMIM 601631.
FOXC1-related disorder. Also called: FOXC1-related condition.

Submissions (2):

PreventionGenetics, part of Exact Sciences
Classification: Uncertain significance for FOXC1-related condition. Last evaluated: 2025-04-21. Review status: criteria provided, single submitter. Criteria: ACMG Guidelines, 2015. Collection method: clinical testing. Allele origin: germline.
Comment: The FOXC1 c.1466C>T variant is predicted to result in the amino acid substitution p.Ala489Val. To our knowledge, this variant has not been reported in the literature. This variant is reported in 0.013% of alleles in individuals of South Asian descent in gnomAD. At this time, the clinical significance of this variant is uncertain due to the absence of conclusive functional and genetic evidence.

Fulgent Genetics
Classification: Uncertain significance for Anterior segment dysgenesis 3; Axenfeld-Rieger syndrome type 3. Last evaluated: 2024-01-18. Review status: criteria provided, single submitter. Criteria: ACMG Guidelines, 2015. Collection method: clinical testing. Allele origin: germline.